The following is an entry in ClinVar:

NM_000038.6(APC):c.645+1462C>A

Gene: APC (APC regulator of WNT signaling pathway; plus strand). Cytogenetic location: 5q22.2.
Variant type: single nucleotide variant.
Coding change: c.645+1462C>A on transcript NM_000038.6 (MANE Select); 1462 bases into the intron after coding-DNA position 645, C replaced by A.
Molecular consequence: intron variant.
Genome position (GRCh38, 1-based): chr5:112,782,365, C>A. VCF-style: chr5-112782365-C-A. GRCh37 (hg19) VCF-style: chr5-112118062-C-A.
Other names: c.645+1462C>A (NM_001354895.2, NM_001127510.3, NM_001354896.2 and 2 more transcripts); c.675+1462C>A (NM_001354897.2, NM_001354902.2, NM_001127511.3); c.570+1462C>A (NM_001354898.2, NM_001354904.2); c.-391+1462C>A (NM_001354906.2); c.468+1462C>A (NM_001354900.2, NM_001354901.2, NM_001354905.2).
Identifiers: ClinVar variation 82438 (VCV000082438.2), dbSNP rs79042793, ClinGen allele CA011232.

ClinVar aggregate classification (germline): other (0 of 4 stars; one submission).

Conditions:
Familial colorectal cancer. Identifiers: MedGen CN280943, MONDO:0023113. Disease mechanism: loss of function.

Submission:

Systems Biology Platform Zhejiang California International NanoSystems Institute
Classification: other for Familial colorectal cancer. Review status: no assertion criteria provided. Collection method: not provided. Allele origin: unknown.
ClinVar note: Converted during submission from cancer to other.